The following is an entry in ClinVar:

NM_005422.4(TECTA):c.2055C>T (p.Cys685=)

Genes: TBCEL-TECTA (TBCEL-TECTA readthrough; plus strand), TECTA (tectorin alpha; plus strand). Cytogenetic location: 11q23.3.
Variant type: single nucleotide variant.
Coding change: c.2055C>T on transcript NM_005422.4 (MANE Select); coding-DNA position 2055, C replaced by T.
Protein change: p.Cys685=; no amino-acid change (cysteine 685 retained).
Molecular consequence: synonymous variant.
Genome position (GRCh38, 1-based): chr11:121,128,032, C>T. VCF-style: chr11-121128032-C-T. GRCh37 (hg19) VCF-style: chr11-120998741-C-T.
Other names: c.3012C>T, p.Cys1004= (NM_001378761.1).
Identifiers: ClinVar variation 1327634 (VCV001327634.2), dbSNP rs750815123, ClinGen allele CA6326903.

ClinVar aggregate classification (germline): Uncertain significance (1 of 4 stars; one submission).

Allele frequency attached by ClinVar (database versions not stated): ExAC 0.00001; gnomAD exomes 0.00001; gnomAD 0.00003 and 0.00004; TOPMed 0.00008.
gnomAD v4.1: 16 of 1,613,154 alleles (0.00099%); highest among the groups gnomAD compares: African/African-American, 0.017%; no homozygotes.

Submission:

GeneDx
Classification: Uncertain significance. Last evaluated: 2021-06-07. Review status: criteria provided, single submitter. Criteria: GeneDx Variant Classification Process June 2021. Collection method: clinical testing. Allele origin: germline. Affected: yes.
Comment: In-silico analysis, which includes splice predictors and evolutionary conservation, is inconclusive as to whether the variant alters gene splicing. In the absence of RNA/functional studies, the actual effect of this sequence change is unknown.; Has not been previously published as pathogenic or benign to our knowledge